The following is an entry in ClinVar:

ClinVar aggregate classification (germline): Uncertain significance (1 of 4 stars; one submission).

Conditions:
Inborn genetic diseases. Identifiers: MedGen C0950123, MeSH D030342.

Submission:

Ambry Genetics
Classification: Uncertain significance for Inborn genetic diseases. Last evaluated: 2024-12-12. Review status: criteria provided, single submitter. Criteria: Ambry Variant Classification Scheme 2023. Collection method: clinical testing. Allele origin: germline.
Comment: The p.E244K variant (also known as c.730G>A), located in coding exon 5 of the SBDS gene, results from a G to A substitution at nucleotide position 730. The glutamic acid at codon 244 is replaced by lysine, an amino acid with similar properties. This amino acid position is conserved. In addition, this alteration is predicted to be deleterious by in silico analysis. Based on the available evidence, the clinical significance of this variant remains unclear.

NM_016038.4(SBDS):c.730G>A (p.Glu244Lys)

Gene: SBDS (SBDS ribosome maturation factor; minus strand). Cytogenetic location: 7q11.21.
Variant type: single nucleotide variant.
Coding change: c.730G>A on transcript NM_016038.4 (MANE Select); coding-DNA position 730, G replaced by A.
Protein change: p.Glu244Lys; replaces glutamic acid 244 with lysine.
Molecular consequence: missense variant.
Genome position (GRCh38, 1-based): chr7:66,988,394, C>T on the plus strand (G>A on the coding strand, the complement: SBDS is on the minus strand). VCF-style: chr7-66988394-C-T. GRCh37 (hg19) VCF-style: chr7-66453381-C-T.
Other names: short protein forms E244K.
Identifiers: ClinVar variation 3792696 (VCV003792696.1).
Genomic context (GRCh38, chr7:66,988,394, plus strand): 5'-CACTTTAGTGTTTTAGAGGTGAAGAGATTGATGGGTGTCATTCAAATTTCTCATCTCCTT[C>T]TTCTACATCTTTCAGATTGAGTACTTCCAAAGAACCTTTGCCTTTAGTTTCCTTTTTTAT-3'
Protein context (NP_057122.2, residues 234-250): LEVLNLKDVE[Glu244Lys]GDEKFE